The following is an entry in ClinVar:

NM_170606.3(KMT2C):c.10723A>G (p.Thr3575Ala)

Gene: KMT2C (lysine methyltransferase 2C; minus strand). Cytogenetic location: 7q36.1.
Variant type: single nucleotide variant.
Coding change: c.10723A>G on transcript NM_170606.3 (MANE Select); coding-DNA position 10723, A replaced by G.
Protein change: p.Thr3575Ala; replaces threonine 3575 with alanine.
Molecular consequence: missense variant.
Genome position (GRCh38, 1-based): chr7:152,162,854, T>C on the plus strand (A>G on the coding strand, the complement: KMT2C is on the minus strand). VCF-style: chr7-152162854-T-C. GRCh37 (hg19) VCF-style: chr7-151859939-T-C.
Other names: c.10723A>G (NM_170606.2); short protein forms T3575A.
Identifiers: ClinVar variation 134785 (VCV000134785.11), dbSNP rs142997680, ClinGen allele CA160741.

ClinVar aggregate classification (germline): Benign/Likely benign. Review status: criteria provided, multiple submitters, no conflicts (2 of 4 stars). 4 submissions from 4 submitters: Benign (1); Likely benign (1). 2 of the submissions do not count toward it. Last evaluated 2023-08-10.

Conditions:
KMT2C-related disorder. Also called: KMT2C-related condition; KMT2C-related disorders.
Inborn genetic diseases. Identifiers: MedGen C0950123, MeSH D030342.

Allele frequency attached by ClinVar (database versions not stated): gnomAD 0.00035; TOPMed 0.00028; ESP Exome Variant Server 0.00031.

Submissions (4):

Labcorp Genetics (formerly Invitae), Labcorp
Classification: Benign. Last evaluated: 2023-08-10. Review status: criteria provided, single submitter. Criteria: Invitae Variant Classification Sherloc (09022015). Collection method: clinical testing. Allele origin: germline.

Ambry Genetics
Classification: Likely benign for Inborn genetic diseases. Last evaluated: 2021-09-22. Review status: criteria provided, single submitter. Criteria: Ambry Variant Classification Scheme 2023. Collection method: clinical testing. Allele origin: germline.

PreventionGenetics, part of Exact Sciences
Classification: Likely benign for KMT2C-related condition. Last evaluated: 2023-07-17. Review status: no assertion criteria provided. Collection method: clinical testing. Allele origin: germline. Not counted in ClinVar's aggregate classification.
Comment: This variant is classified as likely benign based on ACMG/AMP sequence variant interpretation guidelines (Richards et al. 2015 PMID: 25741868, with internal and published modifications).

ITMI
No classification provided. Condition: AllHighlyPenetrant. Last evaluated: 2013-09-19. Review status: no classification provided. Collection method: reference population. Allele origin: germline. Not counted in ClinVar's aggregate classification.
Comment: Please see associated publication for description of ethnicities

Literature cited by the submitters: PubMed 24728327 (cited by ITMI).